The following is an entry in ClinVar:

NC_000011.9:g.(?_123504851)_(126163012_?)del

Genes: ACRV1 (acrosomal vesicle protein 1; minus strand), CCDC15 (coiled-coil domain containing 15; plus strand), CDON (cell adhesion associated, oncogene regulated; minus strand), CHEK1 (checkpoint kinase 1; plus strand), DDX25 (DEAD-box helicase 25; plus strand) and 53 more. Cytogenetic location: 11q24.1-24.2.
Variant type: Deletion.
Identifiers: ClinVar variation 2426317 (VCV002426317.4).

ClinVar aggregate classification (germline): Uncertain significance. Review status: criteria provided, single submitter (1 of 4 stars). 2 submissions from 1 submitter: Uncertain significance (1). 1 of the submissions does not count toward it. Last evaluated 2022-08-08.

Conditions:
Holoprosencephaly 11 (HPE11). Identifiers: Orphanet 2162, MedGen C3280215, MONDO:0013642, OMIM 614226.

Submissions (2):

Labcorp Genetics (formerly Invitae), Labcorp
Classification: Uncertain significance. Last evaluated: 2022-08-08. Review status: criteria provided, single submitter. Criteria: Invitae Variant Classification Sherloc (09022015). Collection method: clinical testing. Allele origin: germline.
Comment: A gross deletion of the genomic region encompassing the full coding sequence of the SIAE gene has been identified. The current clinical and genetic evidence is not sufficient to establish whether loss-of-function variants in SIAE cause disease. The boundaries of this event are unknown as they extend beyond the assayed region for this gene and therefore may encompass additional genes. This variant has not been reported in the literature in individuals affected with SIAE-related conditions. In summary, the available evidence is currently insufficient to determine the role of this variant in disease. Therefore, it has been classified as a Variant of Uncertain Significance.

Labcorp Genetics (formerly Invitae), Labcorp
Classification: Uncertain significance for Holoprosencephaly 11. Last evaluated: 2021-12-02. Review status: flagged submission. Criteria: Invitae Variant Classification Sherloc (09022015). Collection method: clinical testing. Allele origin: germline. Not counted in ClinVar's aggregate classification.
Comment: A gross deletion of the genomic region encompassing the full coding sequence of the CDON gene has been identified. The current clinical and genetic evidence is not sufficient to establish whether loss-of-function variants in CDON cause disease. The boundaries of this event are unknown as they extend beyond the assayed region for this gene and therefore may encompass additional genes. This variant has not been reported in the literature in individuals affected with CDON-related conditions. In summary, the available evidence is currently insufficient to determine the role of this variant in disease. Therefore, it has been classified as a Variant of Uncertain Significance.
ClinVar note: Reason: This record appears to be redundant with a more recent record from the same submitter.
ClinVar note: Notes: SCV003795015 appears to be redundant with SCV003796866.